The following is an entry in ClinVar:

ClinVar aggregate classification (germline): Uncertain significance (1 of 4 stars; one submission).

Conditions:
Hereditary cancer-predisposing syndrome. Also called: Neoplastic Syndromes, Hereditary; Tumor predisposition; Hereditary Cancer Syndrome; Hereditary neoplastic syndrome. Identifiers: Orphanet 140162, MedGen C0027672, MeSH D009386, MONDO:0015356.

Submission:

Ambry Genetics
Classification: Uncertain significance for Hereditary cancer-predisposing syndrome. Last evaluated: 2026-05-06. Review status: criteria provided, single submitter. Criteria: Ambry Variant Classification Scheme 2023. Collection method: clinical testing. Allele origin: germline.
Comment: The p.G1345E variant (also known as c.4034G>A), located in coding exon 27 of the ALK gene, results from a G to A substitution at nucleotide position 4034. The glycine at codon 1345 is replaced by glutamic acid, an amino acid with similar properties. This amino acid position is highly conserved in available vertebrate species. In addition, this alteration is predicted to be deleterious by in silico analysis. Based on the available evidence, the clinical significance of this variant remains unclear.

NM_004304.5(ALK):c.4034G>A (p.Gly1345Glu)

Gene: ALK (ALK receptor tyrosine kinase; minus strand). Cytogenetic location: 2p23.2.
Variant type: single nucleotide variant.
Coding change: c.4034G>A on transcript NM_004304.5 (MANE Select); coding-DNA position 4034, G replaced by A.
Protein change: p.Gly1345Glu; replaces glycine 1345 with glutamic acid.
Molecular consequence: missense variant.
Genome position (GRCh38, 1-based): chr2:29,197,581, C>T on the plus strand (G>A on the coding strand, the complement: ALK is on the minus strand). VCF-style: chr2-29197581-C-T. GRCh37 (hg19) VCF-style: chr2-29420447-C-T.
Other names: c.830G>A, p.Gly277Glu (NM_001353765.2); short protein forms G1345E, G277E.
Identifiers: ClinVar variation 4870191 (VCV004870191.1).